The following is an entry in ClinVar:

NM_032608.7(MYO18B):c.6057G>T (p.Glu2019Asp)

Gene: MYO18B (myosin XVIIIB; plus strand). Cytogenetic location: 22q12.1.
Variant type: single nucleotide variant.
Coding change: c.6057G>T on transcript NM_032608.7 (MANE Select); coding-DNA position 6057, G replaced by T.
Protein change: p.Glu2019Asp; replaces glutamic acid 2019 with aspartic acid.
Molecular consequence: missense variant.
Genome position (GRCh38, 1-based): chr22:25,955,265, G>T. VCF-style: chr22-25955265-G-T. GRCh37 (hg19) VCF-style: chr22-26351231-G-T.
Other names: c.6060G>T, p.Glu2020Asp (NM_001318245.2); short protein forms E2019D, E2020D.
Identifiers: ClinVar variation 1939292 (VCV001939292.2), dbSNP rs1467663958, ClinGen allele CA411009159.

ClinVar aggregate classification (germline): Uncertain significance (1 of 4 stars; one submission).

gnomAD v4.1: 1 of 1,613,798 alleles (0.000062%); highest among the groups gnomAD compares: Non-Finnish European, 0.000085%; no homozygotes.

Submission:

Labcorp Genetics (formerly Invitae), Labcorp
Classification: Uncertain significance. Last evaluated: 2022-06-23. Review status: criteria provided, single submitter. Criteria: Invitae Variant Classification Sherloc (09022015). Collection method: clinical testing. Allele origin: germline.
Comment: This sequence change replaces glutamic acid, which is acidic and polar, with aspartic acid, which is acidic and polar, at codon 2019 of the MYO18B protein (p.Glu2019Asp). This variant is present in population databases (no rsID available, gnomAD 0.0009%). This variant has not been reported in the literature in individuals affected with MYO18B-related conditions. Algorithms developed to predict the effect of missense changes on protein structure and function are either unavailable or do not agree on the potential impact of this missense change (SIFT: "Not Available"; PolyPhen-2: "Possibly Damaging"; Align-GVGD: "Not Available"). In summary, the available evidence is currently insufficient to determine the role of this variant in disease. Therefore, it has been classified as a Variant of Uncertain Significance.